The following is an entry in ClinVar:

NM_005157.6(ABL1):c.2564G>A (p.Ser855Asn)

Gene: ABL1 (ABL proto-oncogene 1, non-receptor tyrosine kinase; plus strand). Cytogenetic location: 9q34.12.
Variant type: single nucleotide variant.
Coding change: c.2564G>A on transcript NM_005157.6 (MANE Select); coding-DNA position 2564, G replaced by A.
Protein change: p.Ser855Asn; replaces serine 855 with asparagine.
Molecular consequence: missense variant.
Genome position (GRCh38, 1-based): chr9:130,884,854, G>A. VCF-style: chr9-130884854-G-A. GRCh37 (hg19) VCF-style: chr9-133760241-G-A.
Other names: c.2621G>A, p.Ser874Asn (NM_007313.3); short protein forms S855N, S874N.
Identifiers: ClinVar variation 4801865 (VCV004801865.1).

ClinVar aggregate classification (germline): Uncertain significance (1 of 4 stars; one submission).

Submission:

Labcorp Genetics (formerly Invitae), Labcorp
Classification: Uncertain significance. Last evaluated: 2025-04-14. Review status: criteria provided, single submitter. Criteria: Invitae Variant Classification Sherloc (09022015). Collection method: clinical testing. Allele origin: germline.
Comment: This sequence change replaces serine, which is neutral and polar, with asparagine, which is neutral and polar, at codon 874 of the ABL1 protein (p.Ser874Asn). This variant is not present in population databases (gnomAD no frequency). This variant has not been reported in the literature in individuals affected with ABL1-related conditions. Invitae Evidence Modeling of protein sequence and biophysical properties (such as structural, functional, and spatial information, amino acid conservation, physicochemical variation, residue mobility, and thermodynamic stability) indicates that this missense variant is not expected to disrupt ABL1 protein function with a negative predictive value of 95%. In summary, the available evidence is currently insufficient to determine the role of this variant in disease. Therefore, it has been classified as a Variant of Uncertain Significance.